The following is an entry in ClinVar:

ClinVar aggregate classification (germline): Pathogenic (1 of 4 stars; one submission).

Conditions:
Leber congenital amaurosis 8 (LCA8). Identifiers: Orphanet 65, MedGen C3151202, MONDO:0013453, OMIM 613835.
Retinitis pigmentosa 12 (RP12). Also called: RP WITH OR WITHOUT PRESERVED PARAARTERIOLE RETINAL PIGMENT EPITHELIUM; RETINITIS PIGMENTOSA WITH OR WITHOUT PARAARTERIOLAR PRESERVATION OF RETINAL PIGMENT EPITHELIUM; RP WITH OR WITHOUT PPRPE. Identifiers: Orphanet 791, MedGen C1838647, MONDO:0010818, OMIM 600105.

gnomAD v4.1: 1 of 1,606,356 alleles (0.000062%); highest among the groups gnomAD compares: Non-Finnish European, 0.000085%; no homozygotes.

Submission:

Labcorp Genetics (formerly Invitae), Labcorp
Classification: Pathogenic for Leber congenital amaurosis 8; Retinitis pigmentosa 12. Last evaluated: 2023-12-30. Review status: criteria provided, single submitter. Criteria: Invitae Variant Classification Sherloc (09022015). Collection method: clinical testing. Allele origin: germline.
Comment: This sequence change creates a premature translational stop signal (p.Glu1180*) in the CRB1 gene. It is expected to result in an absent or disrupted protein product. Loss-of-function variants in CRB1 are known to be pathogenic (PMID: 10508521, 22065545, 23379534, 25412400, 26957898, 28041643, 29391521). This variant is present in population databases (rs149216103, gnomAD 0.0009%). This variant has not been reported in the literature in individuals affected with CRB1-related conditions. For these reasons, this variant has been classified as Pathogenic.

Literature cited by the submitters: PubMed 10508521; PubMed 22065545; PubMed 23379534; PubMed 25412400; PubMed 26957898; PubMed 28041643; PubMed 29391521.

NM_201253.3(CRB1):c.3538G>T (p.Glu1180Ter)

Gene: CRB1 (crumbs cell polarity complex component 1; plus strand). Cytogenetic location: 1q31.3.
Variant type: single nucleotide variant.
Coding change: c.3538G>T on transcript NM_201253.3 (MANE Select); coding-DNA position 3538, G replaced by T.
Protein change: p.Glu1180Ter; replaces glutamic acid 1180 with a stop codon.
Molecular consequence: nonsense. On other transcripts: non-coding transcript variant (2), intron variant (1).
Genome position (GRCh38, 1-based): chr1:197,435,401, G>T. VCF-style: chr1-197435401-G-T. GRCh37 (hg19) VCF-style: chr1-197404531-G-T.
Other names: c.3202G>T, p.Glu1068Ter (NM_001193640.2); c.3466G>T, p.Glu1156Ter (NM_001257965.2); c.2129-199G>T (NM_001257966.2); short protein forms E1068*, E1180*, E1156*.
Identifiers: ClinVar variation 2921834 (VCV002921834.3), dbSNP rs149216103, ClinGen allele CA1312355.